The following is an entry in ClinVar:

NC_000011.10:g.77158278del

Gene: MYO7A (myosin VIIA; plus strand). Cytogenetic location: 11q13.5.
Variant type: Deletion.
Genome position: GRCh38 VCF-style: chr11-77158275-AG-A. GRCh37 (hg19) VCF-style: chr11-76869321-AG-A.
Identifiers: ClinVar variation 1070468 (VCV001070468.7), dbSNP rs2135256121, ClinGen allele CA2499221326.

ClinVar aggregate classification (germline): Pathogenic (1 of 4 stars; one submission).

Submission:

Labcorp Genetics (formerly Invitae), Labcorp
Classification: Pathogenic. Last evaluated: 2020-09-06. Review status: criteria provided, single submitter. Criteria: Invitae Variant Classification Sherloc (09022015). Collection method: clinical testing. Allele origin: germline.
Comment: Algorithms developed to predict the effect of sequence changes on RNA splicing suggest that this variant may create or strengthen a splice site, but this prediction has not been confirmed by published transcriptional studies. Loss-of-function variants in MYO7A are known to be pathogenic (PMID: 8900236, 25404053). For these reasons, this variant has been classified as Pathogenic. This variant has not been reported in the literature in individuals with MYO7A-related conditions. This sequence change creates a premature translational stop signal (p.Gly284Valfs*4) in the MYO7A gene. It is expected to result in an absent or disrupted protein product. This variant is not present in population databases (ExAC no frequency).

Literature cited by the submitters: PubMed 8900236; PubMed 25404053.